The following is an entry in ClinVar:

ClinVar aggregate classification (germline): Uncertain significance (1 of 4 stars; one submission).

Conditions:
Galactosylceramide beta-galactosidase deficiency. Also called: GALACTOCEREBROSIDASE DEFICIENCY; GALC DEFICIENCY; GLOBOID CELL LEUKOENCEPHALOPATHY; Leukodystrophy, Globoid Cell; Krabbe Disease. Identifiers: Orphanet 487, MedGen C0023521, MONDO:0009499, OMIM 245200.

Allele frequency attached by ClinVar (database versions not stated): gnomAD 0.00001; TOPMed 0.00001; gnomAD exomes 0.00002; ExAC 0.00008.
gnomAD v4.1: 15 of 1,590,654 alleles (0.00094%); highest among the groups gnomAD compares: Admixed American, 0.016%; no homozygotes.

Submission:

Labcorp Genetics (formerly Invitae), Labcorp
Classification: Uncertain significance for Galactosylceramide beta-galactosidase deficiency. Last evaluated: 2025-05-22. Review status: criteria provided, single submitter. Criteria: Invitae Variant Classification Sherloc (09022015). Collection method: clinical testing. Allele origin: germline.
Comment: This sequence change replaces leucine, which is neutral and non-polar, with proline, which is neutral and non-polar, at codon 5 of the GALC protein (p.Leu5Pro). This variant is present in population databases (rs779006223, gnomAD 0.03%). This variant has not been reported in the literature in individuals affected with GALC-related conditions. ClinVar contains an entry for this variant (Variation ID: 2067997). Invitae Evidence Modeling of protein sequence and biophysical properties (such as structural, functional, and spatial information, amino acid conservation, physicochemical variation, residue mobility, and thermodynamic stability) indicates that this missense variant is not expected to disrupt GALC protein function with a negative predictive value of 95%. In summary, the available evidence is currently insufficient to determine the role of this variant in disease. Therefore, it has been classified as a Variant of Uncertain Significance.

NM_000153.4(GALC):c.14T>C (p.Leu5Pro)

Gene: GALC (galactosylceramidase; minus strand). Cytogenetic location: 14q31.3.
Variant type: single nucleotide variant.
Coding change: c.14T>C on transcript NM_000153.4 (MANE Select); coding-DNA position 14, T replaced by C.
Protein change: p.Leu5Pro; replaces leucine 5 with proline.
Molecular consequence: missense variant. On other transcripts: intron variant (1).
Genome position (GRCh38, 1-based): chr14:87,993,151, A>G on the plus strand (T>C on the coding strand, the complement: GALC is on the minus strand). VCF-style: chr14-87993151-A-G. GRCh37 (hg19) VCF-style: chr14-88459495-A-G.
Other names: c.14T>C, p.Leu5Pro (NM_001201401.2); c.117+232T>C (NM_001201402.2); short protein forms L5P.
Identifiers: ClinVar variation 2067997 (VCV002067997.2), dbSNP rs779006223, ClinGen allele CA7297536.